The following is an entry in ClinVar:

NM_000321.3(RB1):c.1424A>C (p.Lys475Thr)

Gene: RB1 (RB transcriptional corepressor 1; plus strand). Cytogenetic location: 13q14.2.
Variant type: single nucleotide variant.
Coding change: c.1424A>C on transcript NM_000321.3 (MANE Select); coding-DNA position 1424, A replaced by C.
Protein change: p.Lys475Thr; replaces lysine 475 with threonine.
Molecular consequence: missense variant.
Genome position (GRCh38, 1-based): chr13:48,380,167, A>C. VCF-style: chr13-48380167-A-C. GRCh37 (hg19) VCF-style: chr13-48954303-A-C.
Other names: short protein forms K475T.
Identifiers: ClinVar variation 819184 (VCV000819184.4), dbSNP rs1593456261, ClinGen allele CA388162760.

ClinVar aggregate classification (germline): Uncertain significance (1 of 4 stars; one submission).

Conditions:
Hereditary cancer-predisposing syndrome. Also called: Tumor predisposition; Hereditary neoplastic syndrome; Neoplastic Syndromes, Hereditary; Hereditary Cancer Syndrome. Identifiers: Orphanet 140162, MedGen C0027672, MeSH D009386, MONDO:0015356.

Submission:

Ambry Genetics
Classification: Uncertain significance for Hereditary cancer-predisposing syndrome. Last evaluated: 2018-04-26. Review status: criteria provided, single submitter. Criteria: Ambry Variant Classification Scheme 2023. Collection method: clinical testing. Allele origin: germline.
Comment: The p.K475T variant (also known as c.1424A>C), located in coding exon 16 of the RB1 gene, results from an A to C substitution at nucleotide position 1424. The lysine at codon 475 is replaced by threonine, an amino acid with similar properties. This amino acid position is highly conserved in available vertebrate species. In addition, this alteration is predicted to be deleterious by in silico analysis. Since supporting evidence is limited at this time, the clinical significance of this alteration remains unclear.